The following is an entry in ClinVar:

NM_001035.3(RYR2):c.6164C>T (p.Ser2055Phe)

Gene: RYR2 (ryanodine receptor 2; plus strand). Cytogenetic location: 1q43.
Variant type: single nucleotide variant.
Coding change: c.6164C>T on transcript NM_001035.3 (MANE Select); coding-DNA position 6164, C replaced by T.
Protein change: p.Ser2055Phe; replaces serine 2055 with phenylalanine.
Molecular consequence: missense variant.
Genome position (GRCh38, 1-based): chr1:237,625,802, C>T. VCF-style: chr1-237625802-C-T. GRCh37 (hg19) VCF-style: chr1-237789102-C-T.
Other names: short protein forms S2055F.
Identifiers: ClinVar variation 3701331 (VCV003701331.2).
Genomic context (GRCh38, chr1:237,625,802, plus strand): 5'-AGGTGACATATCTGAAGAAGAAGCAAGCAGAAAAACCAGTTGAGAGTGACTCCAAAAAGT[C>T]CTGTAAGCAGTATGAGAGTGCACTGGCAGAATGACCCAACTGCTGACACTTAACTCATCC-3'
Protein context (NP_001026.2, residues 2045-2065): EKPVESDSKK[Ser2055Phe]STLQQLISET

ClinVar aggregate classification (germline): Uncertain significance (1 of 4 stars; one submission).

Conditions:
Catecholaminergic polymorphic ventricular tachycardia 1. Also called: VENTRICULAR TACHYCARDIA, STRESS-INDUCED POLYMORPHIC 1; VENTRICULAR TACHYCARDIA, CATECHOLAMINERGIC POLYMORPHIC, 1, WITH OR WITHOUT ATRIAL DYSFUNCTION AND/OR DILATED CARDIOMYOPATHY; RYR2-Related Catecholaminergic Polymorphic Ventricular Tachycardia. Identifiers: Orphanet 3286, MedGen C1631597, MONDO:0011484, OMIM 604772.

Submission:

Labcorp Genetics (formerly Invitae), Labcorp
Classification: Uncertain significance for Catecholaminergic polymorphic ventricular tachycardia 1. Last evaluated: 2024-02-17. Review status: criteria provided, single submitter. Criteria: Invitae Variant Classification Sherloc (09022015). Collection method: clinical testing. Allele origin: germline.
Comment: This sequence change replaces serine, which is neutral and polar, with phenylalanine, which is neutral and non-polar, at codon 2055 of the RYR2 protein (p.Ser2055Phe). This variant is not present in population databases (gnomAD no frequency). This variant has not been reported in the literature in individuals affected with RYR2-related conditions. An algorithm developed to predict the effect of missense changes on protein structure and function (PolyPhen-2) suggests that this variant is likely to be disruptive. In summary, the available evidence is currently insufficient to determine the role of this variant in disease. Therefore, it has been classified as a Variant of Uncertain Significance.